The following is an entry in ClinVar:

ClinVar aggregate classification (germline): Uncertain significance (1 of 4 stars; one submission).

Conditions:
Intellectual disability, X-linked 61 (TOKAS). Also called: TONNE-KALSCHEUER SYNDROME. Identifiers: MedGen C4283894, MONDO:0010506, OMIM 300978.

Submission:

Human Genetics Bochum, Ruhr University Bochum
Classification: Uncertain significance for Intellectual disability, X-linked 61. Last evaluated: 2025-04-22. Review status: criteria provided, single submitter. Criteria: ACMG Guidelines, 2015. Collection method: clinical testing. Allele origin: germline. Affected: yes.
Comment: ACMG criteria used to clasify this variant: PM4, PM2_SUP

NM_016120.4(RLIM):c.1357AGT[1] (p.Ser455del)

Gene: RLIM (ring finger protein, LIM domain interacting; minus strand). Cytogenetic location: Xq13.2.
Variant type: Microsatellite.
Coding change: c.1357AGT[1] on transcript NM_016120.4 (MANE Select); one copy of the 3-base unit AGT starting at c.1357; the reference has two copies in a row; one copy, 3 bases deleted; also written c.1360_1362del.
Protein change: p.Ser455del; deletes serine 455.
Genome position (GRCh38, 1-based): chrX:74,591,953-74,591,955, ACT deleted on the plus strand (AGT on the coding strand, the reverse complement: RLIM is on the minus strand); deleting any 3 consecutive bases within chrX:74,591,953-74,591,960 gives the same sequence; the position shown is the placement nearest the transcript's 3' end. VCF-style (leftmost placement, unchanged base first): chrX-74591952-AACT-A. GRCh37 (hg19) VCF-style: chrX-73811787-AACT-A.
Other names: c.1357AGT[1], p.Ser455del (NM_183353.3); c.1360_1362del (NM_016120.4); short protein forms S455del.
Identifiers: ClinVar variation 4687991 (VCV004687991.1), dbSNP rs2519834100.